The following is an entry in ClinVar:

ClinVar aggregate classification (germline): Uncertain significance (1 of 4 stars; one submission).

Conditions:
Charcot-Marie-Tooth disease type 4. Also called: Charcot-Marie-Tooth, Type 4; Charcot-Marie-Tooth disease, type IV. Identifiers: Orphanet 64749, MedGen C4082197, MONDO:0018995.

Allele frequency attached by ClinVar (database versions not stated): gnomAD exomes below 0.00001; TOPMed below 0.00001; gnomAD 0.00001.
gnomAD v4.1: 2 of 1,612,818 alleles (0.00012%); highest among the groups gnomAD compares: Non-Finnish European, 0.00017%; no homozygotes.

Submission:

Labcorp Genetics (formerly Invitae), Labcorp
Classification: Uncertain significance for Charcot-Marie-Tooth disease type 4. Last evaluated: 2020-05-26. Review status: criteria provided, single submitter. Criteria: Invitae Variant Classification Sherloc (09022015). Collection method: clinical testing. Allele origin: germline.
Comment: Algorithms developed to predict the effect of missense changes on protein structure and function (SIFT, PolyPhen-2, Align-GVGD) all suggest that this variant is likely to be tolerated, but these predictions have not been confirmed by published functional studies and their clinical significance is uncertain. This sequence change replaces valine with isoleucine at codon 224 of the SBF2 protein (p.Val224Ile). The valine residue is moderately conserved and there is a small physicochemical difference between valine and isoleucine. This variant is not present in population databases (ExAC no frequency). This variant has not been reported in the literature in individuals with SBF2-related conditions. In summary, the available evidence is currently insufficient to determine the role of this variant in disease. Therefore, it has been classified as a Variant of Uncertain Significance.

NM_030962.4(SBF2):c.670G>A (p.Val224Ile)

Gene: SBF2 (SET binding factor 2; minus strand). Cytogenetic location: 11p15.4.
Variant type: single nucleotide variant.
Coding change: c.670G>A on transcript NM_030962.4 (MANE Select); coding-DNA position 670, G replaced by A.
Protein change: p.Val224Ile; replaces valine 224 with isoleucine.
Molecular consequence: missense variant.
Genome position (GRCh38, 1-based): chr11:10,002,639, C>T on the plus strand (G>A on the coding strand, the complement: SBF2 is on the minus strand). VCF-style: chr11-10002639-C-T. GRCh37 (hg19) VCF-style: chr11-10024186-C-T.
Other names: c.670G>A, p.Val224Ile (NM_001386339.1, NM_001386342.1); short protein forms V224I.
Identifiers: ClinVar variation 1061026 (VCV001061026.9), dbSNP rs1209039793, ClinGen allele CA379643659.